The following is an entry in ClinVar:

NM_021620.4(PRDM13):c.1222G>A (p.Ala408Thr)

Gene: PRDM13 (PR/SET domain 13; plus strand). Cytogenetic location: 6q16.2.
Variant type: single nucleotide variant.
Coding change: c.1222G>A on transcript NM_021620.4 (MANE Select); coding-DNA position 1222, G replaced by A.
Protein change: p.Ala408Thr; replaces alanine 408 with threonine.
Molecular consequence: missense variant.
Genome position (GRCh38, 1-based): chr6:99,613,857, G>A. VCF-style: chr6-99613857-G-A. GRCh37 (hg19) VCF-style: chr6-100061733-G-A.
Other names: short protein forms A408T.
Identifiers: ClinVar variation 1367919 (VCV001367919.8), dbSNP rs780954767, ClinGen allele CA365117958.

ClinVar aggregate classification (germline): Uncertain significance (1 of 4 stars; one submission).

Allele frequency attached by ClinVar (database versions not stated): gnomAD exomes 0.00001 and 0.00002.

Submission:

Labcorp Genetics (formerly Invitae), Labcorp
Classification: Uncertain significance. Last evaluated: 2022-09-10. Review status: criteria provided, single submitter. Criteria: Invitae Variant Classification Sherloc (09022015). Collection method: clinical testing. Allele origin: germline.
Comment: This sequence change replaces alanine, which is neutral and non-polar, with threonine, which is neutral and polar, at codon 408 of the PRDM13 protein (p.Ala408Thr). The frequency data for this variant in the population databases is considered unreliable, as metrics indicate poor data quality at this position in the gnomAD database. This variant has not been reported in the literature in individuals affected with PRDM13-related conditions. ClinVar contains an entry for this variant (Variation ID: 1367919). Algorithms developed to predict the effect of missense changes on protein structure and function output the following: SIFT: "Deleterious"; PolyPhen-2: "Benign"; Align-GVGD: "Class C55". The threonine amino acid residue is found in multiple mammalian species, which suggests that this missense change does not adversely affect protein function. In summary, the available evidence is currently insufficient to determine the role of this variant in disease. Therefore, it has been classified as a Variant of Uncertain Significance.